The following is an entry in ClinVar:

NM_001012720.2(RGR):c.451G>T (p.Gly151Cys)

Gene: RGR (retinal G protein coupled receptor; plus strand). Cytogenetic location: 10q23.1.
Variant type: single nucleotide variant.
Coding change: c.451G>T on transcript NM_001012720.2 (MANE Select); coding-DNA position 451, G replaced by T.
Protein change: p.Gly151Cys; replaces glycine 151 with cysteine.
Molecular consequence: missense variant.
Genome position (GRCh38, 1-based): chr10:84,252,949, G>T. VCF-style: chr10-84252949-G-T. GRCh37 (hg19) VCF-style: chr10-86012705-G-T.
Other names: c.451G>T, p.Gly151Cys (NM_001012722.2); c.463G>T, p.Gly155Cys (NM_002921.4); short protein forms G151C, G155C.
Identifiers: ClinVar variation 2825961 (VCV002825961.3), dbSNP rs1299584611, ClinGen allele CA377391623.

ClinVar aggregate classification (germline): Uncertain significance (1 of 4 stars; one submission).

gnomAD v4.1: 1 of 1,614,042 alleles (0.000062%); highest among the groups gnomAD compares: South Asian, 0.0011%; no homozygotes.

Submission:

Labcorp Genetics (formerly Invitae), Labcorp
Classification: Uncertain significance. Last evaluated: 2023-04-12. Review status: criteria provided, single submitter. Criteria: Invitae Variant Classification Sherloc (09022015). Collection method: clinical testing. Allele origin: germline.
Comment: This variant is not present in population databases (gnomAD no frequency). This sequence change replaces glycine, which is neutral and non-polar, with cysteine, which is neutral and slightly polar, at codon 151 of the RGR protein (p.Gly151Cys). This variant has not been reported in the literature in individuals affected with RGR-related conditions. In summary, the available evidence is currently insufficient to determine the role of this variant in disease. Therefore, it has been classified as a Variant of Uncertain Significance. Experimental studies and prediction algorithms are not available or were not evaluated, and the functional significance of this variant is currently unknown.